The following is an entry in ClinVar:

ClinVar aggregate classification (germline): Uncertain significance (1 of 4 stars; one submission).

Conditions:
RASopathy. Also called: rasopathies; Noonan spectrum disorder. Identifiers: Orphanet 536391, MedGen C5555857, MONDO:0021060.

Allele frequency attached by ClinVar (database versions not stated): gnomAD exomes below 0.00001; TOPMed below 0.00001.
gnomAD v4.1: 1 of 1,613,796 alleles (0.000062%); highest among the groups gnomAD compares: Admixed American, 0.0017%; no homozygotes.

Submission:

Labcorp Genetics (formerly Invitae), Labcorp
Classification: Uncertain significance for RASopathy. Last evaluated: 2021-08-30. Review status: criteria provided, single submitter. Criteria: Invitae Variant Classification Sherloc (09022015). Collection method: clinical testing. Allele origin: germline.
Comment: This sequence change replaces serine with tyrosine at codon 220 of the RAF1 protein (p.Ser220Tyr). The serine residue is highly conserved and there is a large physicochemical difference between serine and tyrosine. This variant is not present in population databases (ExAC no frequency). This variant has not been reported in the literature in individuals affected with RAF1-related conditions. Algorithms developed to predict the effect of missense changes on protein structure and function are either unavailable or do not agree on the potential impact of this missense change (SIFT: "Tolerated"; PolyPhen-2: "Possibly Damaging"; Align-GVGD: "Class C0"). In summary, the available evidence is currently insufficient to determine the role of this variant in disease. Therefore, it has been classified as a Variant of Uncertain Significance.

NM_002880.4(RAF1):c.659C>A (p.Ser220Tyr)

Gene: RAF1 (Raf-1 proto-oncogene, serine/threonine kinase; minus strand). Cytogenetic location: 3p25.2.
Variant type: single nucleotide variant.
Coding change: c.659C>A on transcript NM_002880.4 (MANE Select); coding-DNA position 659, C replaced by A.
Protein change: p.Ser220Tyr; replaces serine 220 with tyrosine.
Molecular consequence: missense variant. On other transcripts: non-coding transcript variant (3), intron variant (2).
Genome position (GRCh38, 1-based): chr3:12,606,222, G>T on the plus strand (C>A on the coding strand, the complement: RAF1 is on the minus strand). VCF-style: chr3-12606222-G-T. GRCh37 (hg19) VCF-style: chr3-12647721-G-T.
Other names: c.659C>A, p.Ser220Tyr (NM_001354689.3, NM_001354690.3); c.416C>A, p.Ser139Tyr (NM_001354691.3, NM_001354692.3, NM_001354694.3); c.339-1933C>A (NM_001354695.3); c.582-1933C>A (NM_001354693.3); short protein forms S220Y, S139Y.
Identifiers: ClinVar variation 1347199 (VCV001347199.5), dbSNP rs997988758, ClinGen allele CA69620904.